The following is an entry in ClinVar:

ClinVar aggregate classification (germline): Likely pathogenic (1 of 4 stars; one submission).

Allele frequency attached by ClinVar (database versions not stated): gnomAD exomes below 0.00001.

Submission:

Labcorp Genetics (formerly Invitae), Labcorp
Classification: Likely pathogenic. Last evaluated: 2021-09-25. Review status: criteria provided, single submitter. Criteria: Invitae Variant Classification Sherloc (09022015). Collection method: clinical testing. Allele origin: germline.
Comment: In summary, the currently available evidence indicates that the variant is pathogenic, but additional data are needed to prove that conclusively. Therefore, this variant has been classified as Likely Pathogenic. Algorithms developed to predict the effect of sequence changes on RNA splicing suggest that this variant may disrupt the consensus splice site. This variant has not been reported in the literature in individuals affected with BCS1L-related conditions. This variant is not present in population databases (ExAC no frequency). This sequence change affects an acceptor splice site in intron 6 of the BCS1L gene. It is expected to disrupt RNA splicing. Variants that disrupt the donor or acceptor splice site typically lead to a loss of protein function (PMID: 16199547), and loss-of-function variants in BCS1L are known to be pathogenic (PMID: 12215968, 17314340, 19162478, 19508421, 22277166, 25895478).

Literature cited by the submitters: PubMed 16199547; PubMed 12215968; PubMed 17314340; PubMed 19162478; PubMed 19508421; PubMed 22277166; PubMed 25895478.

NM_001079866.2(BCS1L):c.720-2A>G

Gene: BCS1L (BCS1 ubiquinol-cytochrome c reductase complex chaperone; plus strand). Cytogenetic location: 2q35.
Variant type: single nucleotide variant.
Coding change: c.720-2A>G on transcript NM_001079866.2 (MANE Select); the canonical splice acceptor site of the intron before coding-DNA position 720, A replaced by G.
Molecular consequence: splice acceptor variant.
Genome position (GRCh38, 1-based): chr2:218,662,508, A>G. VCF-style: chr2-218662508-A-G. GRCh37 (hg19) VCF-style: chr2-219527231-A-G.
Other names: c.720-2A>G (NM_001374085.1, NM_001371446.1, NM_001371450.1 and 10 more transcripts); c.219-2A>G (NM_001374086.1, NM_001371454.1, NM_001371453.1 and 3 more transcripts); c.360-2A>G (NM_001371451.1, NM_001318836.2).
Identifiers: ClinVar variation 1509134 (VCV001509134.6), dbSNP rs2106329063, ClinGen allele CA350629675.